The following is an entry in ClinVar:

NM_006947.4(SRP72):c.22G>T (p.Gly8Trp)

Genes: SRP72 (signal recognition particle 72; plus strand), LOC129992625 (ATAC-STARR-seq lymphoblastoid active region 21580; plus strand). Cytogenetic location: 4q12.
Variant type: single nucleotide variant.
Coding change: c.22G>T on transcript NM_006947.4 (MANE Select); coding-DNA position 22, G replaced by T.
Protein change: p.Gly8Trp; replaces glycine 8 with tryptophan.
Molecular consequence: missense variant. On other transcripts: non-coding transcript variant (1).
Genome position (GRCh38, 1-based): chr4:56,467,657, G>T. VCF-style: chr4-56467657-G-T. GRCh37 (hg19) VCF-style: chr4-57333823-G-T.
Other names: c.22G>T, p.Gly8Trp (NM_001267722.2); short protein forms G8W.
Identifiers: ClinVar variation 4174898 (VCV004174898.1).

ClinVar aggregate classification (germline): Uncertain significance (1 of 4 stars; one submission).

Submission:

Ambry Genetics
Classification: Uncertain significance. Last evaluated: 2025-06-20. Review status: criteria provided, single submitter. Criteria: Ambry Variant Classification Scheme 2023. Collection method: clinical testing. Allele origin: germline.
Comment: The p.G8W variant (also known as c.22G>T), located in coding exon 1 of the SRP72 gene, results from a G to T substitution at nucleotide position 22. The glycine at codon 8 is replaced by tryptophan, an amino acid with highly dissimilar properties. This amino acid position is conserved. In addition, the in silico prediction for this alteration is inconclusive. Based on the available evidence, the clinical significance of this variant remains unclear.